The following is an entry in ClinVar:

NM_001040108.2(MLH3):c.867A>G (p.Gln289=)

Gene: MLH3 (mutL homolog 3; minus strand). Cytogenetic location: 14q24.3.
Variant type: single nucleotide variant.
Coding change: c.867A>G on transcript NM_001040108.2 (MANE Select); coding-DNA position 867, A replaced by G.
Protein change: p.Gln289=; no amino-acid change (glutamine 289 retained).
Molecular consequence: synonymous variant.
Genome position (GRCh38, 1-based): chr14:75,048,789, T>C on the plus strand (A>G on the coding strand, the complement: MLH3 is on the minus strand). VCF-style: chr14-75048789-T-C. GRCh37 (hg19) VCF-style: chr14-75515492-T-C.
Other names: c.867A>G, p.Gln289= (NM_014381.3).
Identifiers: ClinVar variation 703551 (VCV000703551.13), dbSNP rs773294144, ClinGen allele CA7275956.

ClinVar aggregate classification (germline): Benign/Likely benign. Review status: criteria provided, multiple submitters, no conflicts (2 of 4 stars). 4 submissions from 4 submitters: Benign (1); Likely benign (3). Last evaluated 2026-04-29.

Conditions:
Endometrial carcinoma. Also called: Endometrial carcinoma, somatic. Identifiers: MedGen C0476089, MONDO:0002447, OMIM 608089, HP:0012114.
Colorectal cancer, hereditary nonpolyposis, type 7. Identifiers: Orphanet 144, MedGen C1858380, MONDO:0013725, OMIM 614385.
Colorectal cancer. Also called: Colorectal cancer, somatic; Malignant Colorectal Neoplasm. Identifiers: MedGen C0346629, MONDO:0005575, OMIM 114500.

Allele frequency attached by ClinVar (database versions not stated): gnomAD 0.00002; gnomAD exomes 0.00001 and 0.00002; TOPMed 0.00001; ExAC 0.00002.

Submissions (4):

Myriad Genetics, Inc.
Classification: Benign for Colorectal cancer, hereditary nonpolyposis, type 7. Last evaluated: 2026-04-29. Review status: criteria provided, single submitter. Criteria: Myriad Autosomal Dominant, Autosomal Recessive and X-Linked Classification Criteria (2023). Collection method: clinical testing. Allele origin: unknown.
Comment: This variant is considered benign. This variant is a silent/synonymous amino acid change and it is not expected to impact splicing.

Labcorp Genetics (formerly Invitae), Labcorp
Classification: Likely benign for Colorectal cancer, hereditary nonpolyposis, type 7. Last evaluated: 2025-05-26. Review status: criteria provided, single submitter. Criteria: Invitae Variant Classification Sherloc (09022015). Collection method: clinical testing. Allele origin: germline.

Department of Pathology and Laboratory Medicine, Sinai Health System
Classification: Likely benign for Colorectal cancer; Endometrial carcinoma; Colorectal cancer, hereditary nonpolyposis, type 7. Last evaluated: 2023-10-10. Review status: criteria provided, single submitter. Criteria: ACMG Guidelines, 2015. Collection method: clinical testing. Allele origin: germline. Affected: yes.

Ambry Genetics
Classification: Likely benign. Last evaluated: 2019-07-30. Review status: criteria provided, single submitter. Criteria: Ambry Variant Classification Scheme 2023. Collection method: clinical testing. Allele origin: germline.